The following is an entry in ClinVar:

NM_017617.5(NOTCH1):c.6927G>C (p.Glu2309Asp)

Gene: NOTCH1 (notch receptor 1; minus strand). Cytogenetic location: 9q34.3.
Variant type: single nucleotide variant.
Coding change: c.6927G>C on transcript NM_017617.5 (MANE Select); coding-DNA position 6927, G replaced by C.
Protein change: p.Glu2309Asp; replaces glutamic acid 2309 with aspartic acid.
Molecular consequence: missense variant.
Genome position (GRCh38, 1-based): chr9:136,496,812, C>G on the plus strand (G>C on the coding strand, the complement: NOTCH1 is on the minus strand). VCF-style: chr9-136496812-C-G. GRCh37 (hg19) VCF-style: chr9-139391264-C-G.
Other names: short protein forms E2309D.
Identifiers: ClinVar variation 1756186 (VCV001756186.2), dbSNP rs1030556389, ClinGen allele CA375629763.

ClinVar aggregate classification (germline): Uncertain significance (1 of 4 stars; one submission).

Conditions:
Familial thoracic aortic aneurysm and aortic dissection (TAAD). Also called: Thoracic aortic aneurysms and dissections. Identifiers: Orphanet 91387, MedGen C4707243, MONDO:0019625.

Submission:

Ambry Genetics
Classification: Uncertain significance for Familial thoracic aortic aneurysm and aortic dissection. Last evaluated: 2021-12-07. Review status: criteria provided, single submitter. Criteria: Ambry Variant Classification Scheme 2023. Collection method: clinical testing. Allele origin: germline.
Comment: The p.E2309D variant (also known as c.6927G>C), located in coding exon 34 of the NOTCH1 gene, results from a G to C substitution at nucleotide position 6927. The glutamic acid at codon 2309 is replaced by aspartic acid, an amino acid with highly similar properties. This amino acid position is conserved. In addition, this alteration is predicted to be tolerated by in silico analysis. Since supporting evidence is limited at this time, the clinical significance of this alteration remains unclear.